The following is an entry in ClinVar:

NM_020247.5(COQ8A):c.1558G>A (p.Asp520Asn)

Gene: COQ8A (coenzyme Q8A; plus strand). Cytogenetic location: 1q42.13.
Variant type: single nucleotide variant.
Coding change: c.1558G>A on transcript NM_020247.5 (MANE Select); coding-DNA position 1558, G replaced by A.
Protein change: p.Asp520Asn; replaces aspartic acid 520 with asparagine.
Molecular consequence: missense variant.
Genome position (GRCh38, 1-based): chr1:226,984,927, G>A. VCF-style: chr1-226984927-G-A. GRCh37 (hg19) VCF-style: chr1-227172628-G-A.
Other names: short protein forms D520N.
Identifiers: ClinVar variation 1967037 (VCV001967037.2), dbSNP rs1350705959, ClinGen allele CA345055941.

ClinVar aggregate classification (germline): Uncertain significance (1 of 4 stars; one submission).

Allele frequency attached by ClinVar (database versions not stated): gnomAD exomes below 0.00001; TOPMed below 0.00001; gnomAD 0.00001.
gnomAD v4.1: 6 of 1,614,058 alleles (0.00037%); highest among the groups gnomAD compares: African/African-American, 0.0013%; no homozygotes.

Submission:

Labcorp Genetics (formerly Invitae), Labcorp
Classification: Uncertain significance. Last evaluated: 2022-04-22. Review status: criteria provided, single submitter. Criteria: Invitae Variant Classification Sherloc (09022015). Collection method: clinical testing. Allele origin: germline.
Comment: This sequence change replaces aspartic acid, which is acidic and polar, with asparagine, which is neutral and polar, at codon 520 of the COQ8A protein (p.Asp520Asn). This variant is present in population databases (no rsID available, gnomAD 0.007%). This variant has not been reported in the literature in individuals affected with COQ8A-related conditions. Algorithms developed to predict the effect of missense changes on protein structure and function are either unavailable or do not agree on the potential impact of this missense change (SIFT: "Deleterious"; PolyPhen-2: "Benign"; Align-GVGD: "Class C15"). In summary, the available evidence is currently insufficient to determine the role of this variant in disease. Therefore, it has been classified as a Variant of Uncertain Significance.